The following is an entry in ClinVar:

NM_004171.4(SLC1A2):c.689T>G (p.Ile230Ser)

Gene: SLC1A2 (solute carrier family 1 member 2; minus strand). Cytogenetic location: 11p13.
Variant type: single nucleotide variant.
Coding change: c.689T>G on transcript NM_004171.4 (MANE Select); coding-DNA position 689, T replaced by G.
Protein change: p.Ile230Ser; replaces isoleucine 230 with serine.
Molecular consequence: missense variant.
Genome position (GRCh38, 1-based): chr11:35,306,115, A>C on the plus strand (T>G on the coding strand, the complement: SLC1A2 is on the minus strand). VCF-style: chr11-35306115-A-C. GRCh37 (hg19) VCF-style: chr11-35327662-A-C.
Other names: c.662T>G, p.Ile221Ser (NM_001195728.3, NM_001252652.2); short protein forms I230S, I221S.
Identifiers: ClinVar variation 2102034 (VCV002102034.4), dbSNP rs2497859234, ClinGen allele CA380127767.

ClinVar aggregate classification (germline): Uncertain significance (1 of 4 stars; one submission).

Submission:

Labcorp Genetics (formerly Invitae), Labcorp
Classification: Uncertain significance. Last evaluated: 2022-03-05. Review status: criteria provided, single submitter. Criteria: Invitae Variant Classification Sherloc (09022015). Collection method: clinical testing. Allele origin: germline.
Comment: In summary, the available evidence is currently insufficient to determine the role of this variant in disease. Therefore, it has been classified as a Variant of Uncertain Significance. Algorithms developed to predict the effect of missense changes on protein structure and function are either unavailable or do not agree on the potential impact of this missense change (SIFT: "Deleterious"; PolyPhen-2: "Benign"; Align-GVGD: "Class C0"). This variant has not been reported in the literature in individuals affected with SLC1A2-related conditions. This variant is not present in population databases (gnomAD no frequency). This sequence change replaces isoleucine, which is neutral and non-polar, with serine, which is neutral and polar, at codon 230 of the SLC1A2 protein (p.Ile230Ser).